The following is an entry in ClinVar:

NM_017777.4(MKS1):c.750-105T>C

Gene: MKS1 (MKS transition zone complex subunit 1; minus strand). Cytogenetic location: 17q22.
Variant type: single nucleotide variant.
Coding change: c.750-105T>C on transcript NM_017777.4 (MANE Select); 105 bases into the intron before coding-DNA position 750, T replaced by C.
Molecular consequence: intron variant.
Genome position (GRCh38, 1-based): chr17:58,213,195, A>G on the plus strand (T>C on the coding strand, the complement: MKS1 is on the minus strand). VCF-style: chr17-58213195-A-G. GRCh37 (hg19) VCF-style: chr17-56290556-A-G.
Other names: NM_001165927.1:c.720-105T>C; NC_000017.10:g.56290556A>G; c.141-105T>C (NM_001321268.2); c.750-105T>C (NM_001330397.2, NM_001321269.2).
Identifiers: ClinVar variation 674917 (VCV000674917.6), dbSNP rs3744105, ClinGen allele CA14407342.

ClinVar aggregate classification (germline): Benign. Review status: criteria provided, multiple submitters, no conflicts (2 of 4 stars). 4 submissions from 3 submitters: Benign (4). Last evaluated 2021-06-10.

Conditions:
Joubert syndrome 28 (JBTS28). Identifiers: MedGen C4310705, MONDO:0014928, OMIM 617121.
Bardet-Biedl syndrome 13 (BBS13). Identifiers: Orphanet 110, MedGen C2673873, MONDO:0014441, OMIM 615990.

Allele frequency attached by ClinVar (database versions not stated): gnomAD exomes 0.43493; 1000 Genomes Project 0.48063; 1000 Genomes Project 30x 0.48751; TOPMed 0.52323; gnomAD 0.52601 and 0.53777.
gnomAD v4.1: 467,629 of 1,042,662 alleles (45%); highest among the groups gnomAD compares: African/African-American, 80%; 112,455 homozygotes.

Submissions (5):

Genome-Nilou Lab
Classification: Benign for Bardet-Biedl syndrome 13. Last evaluated: 2021-06-10. Review status: criteria provided, single submitter. Criteria: ACMG Guidelines, 2015. Collection method: clinical testing. Allele origin: germline. Affected: no.

Genome-Nilou Lab
Classification: Benign for Joubert syndrome 28. Last evaluated: 2021-06-10. Review status: criteria provided, single submitter. Criteria: ACMG Guidelines, 2015. Collection method: clinical testing. Allele origin: germline. Affected: no.

GeneDx
Classification: Benign. Last evaluated: 2018-06-19. Review status: criteria provided, single submitter. Criteria: GeneDx Variant Classification (06012015). Collection method: clinical testing. Allele origin: germline. Affected: yes.
Comment: This variant is considered likely benign or benign based on one or more of the following criteria: it is a conservative change, it occurs at a poorly conserved position in the protein, it is predicted to be benign by multiple in silico algorithms, and/or has population frequency not consistent with disease.

Breakthrough Genomics
Classification: Benign. Review status: criteria provided, single submitter. Criteria: ACMG Guidelines, 2015. Collection method: not provided. Allele origin: germline. Inheritance: Autosomal recessive inheritance. Affected: yes.

Dr. Peter K. Rogan Lab, Western University
No classification provided (evidence only). Condition: Familial cancer of breast. Review status: no classification provided. Collection method: in vitro. Allele origin: not applicable. Functional consequence: retained intron. Not counted in ClinVar's aggregate classification.